The following is an entry in ClinVar:

ClinVar aggregate classification (germline): Likely benign (0 of 4 stars; one submission).

Conditions:
UGT1A1-related disorder. Also called: UGT1A1-related condition; UGT1A1-related disorders.

gnomAD v4.1: 13 of 1,614,016 alleles (0.00081%); highest among the groups gnomAD compares: South Asian, 0.0044%; no homozygotes.

Submission:

PreventionGenetics, part of Exact Sciences
Classification: Likely benign for UGT1A1-related condition. Last evaluated: 2024-06-28. Review status: no assertion criteria provided. Collection method: clinical testing. Allele origin: germline.
Comment: This variant is classified as likely benign based on ACMG/AMP sequence variant interpretation guidelines (Richards et al. 2015 PMID: 25741868, with internal and published modifications).

NM_000463.3(UGT1A1):c.576C>T (p.Tyr192=)

Genes: UGT1A (UDP glucuronosyltransferase family 1 member A complex locus; plus strand), UGT1A1 (UDP glucuronosyltransferase family 1 member A1; plus strand), UGT1A10 (UDP glucuronosyltransferase family 1 member A10; plus strand), UGT1A3 (UDP glucuronosyltransferase family 1 member A3; plus strand), UGT1A4 (UDP glucuronosyltransferase family 1 member A4; plus strand) and 5 more. Cytogenetic location: 2q37.1.
Variant type: single nucleotide variant.
Coding change: c.576C>T on transcript NM_000463.3 (MANE Select); coding-DNA position 576, C replaced by T.
Protein change: p.Tyr192=; no amino-acid change (tyrosine 192 retained).
Molecular consequence: synonymous variant. On other transcripts: intron variant (9).
Genome position (GRCh38, 1-based): chr2:233,760,863, C>T. VCF-style: chr2-233760863-C-T. GRCh37 (hg19) VCF-style: chr2-234669509-C-T.
Other names: c.856-6171C>T (NM_019076.5, NM_019075.4, NM_021027.3 and 1 more transcripts); c.61-6171C>T (NM_205862.3); c.862-6171C>T (NM_001072.4); c.868-6171C>T (NM_019078.2, NM_007120.3, NM_019093.4).
Identifiers: ClinVar variation 3357706 (VCV003357706.1).